The following is an entry in ClinVar:

ClinVar aggregate classification (germline): Pathogenic (1 of 4 stars; one submission).

Conditions:
Congenital hyperammonemia, type I. Also called: Carbamoyl phosphate synthetase I deficiency disease; CPS I DEFICIENCY; Carbamoyl-phosphate synthase I deficiency; Carbamoyl phosphate synthetase 1 deficiency; Hyperammonemia due to carbamoyl phosphate synthetase 1 deficiency; CPS 1 deficiency. Identifiers: Orphanet 147, MedGen C4082171, MONDO:0009376, OMIM 237300.

Submission:

Labcorp Genetics (formerly Invitae), Labcorp
Classification: Pathogenic for Congenital hyperammonemia, type I. Last evaluated: 2021-10-14. Review status: criteria provided, single submitter. Criteria: Invitae Variant Classification Sherloc (09022015). Collection method: clinical testing. Allele origin: germline.
Comment: This variant is a gross deletion of the genomic region encompassing exon(s) 26-27 of the CPS1 gene. This deletion is out-of-frame, and is expected to create a premature termination codon and result in an absent or disrupted protein product. Loss-of-function variants in CPS1 are known to be pathogenic (PMID: 21120950). This variant has not been reported in the literature in individuals affected with CPS1-related conditions. For these reasons, this variant has been classified as Pathogenic.

Literature cited by the submitters: PubMed 21120950.

NC_000002.11:g.(?_211512577)_(211513274_?)del

Gene: CPS1 (carbamoyl-phosphate synthase 1; plus strand). Cytogenetic location: 2q34.
Variant type: Deletion.
Identifiers: ClinVar variation 1455517 (VCV001455517.5).